The following is an entry in ClinVar:

ClinVar aggregate classification (germline): Conflicting classifications of pathogenicity. Review status: criteria provided, conflicting classifications (1 of 4 stars). 2 submissions from 2 submitters: Uncertain significance (1); Likely benign (1). Last evaluated 2025-05-21.

Conditions:
Microcephalic osteodysplastic primordial dwarfism type II (MOPD2). Also called: Microcephalic osteodysplastic primordial dwarfism with tooth abnormalities; MOPD II; OSTEODYSPLASTIC PRIMORDIAL DWARFISM, TYPE II. Identifiers: Orphanet 2637, MedGen C0432246, MONDO:0008872, OMIM 210720.
PCNT-related disorder. Also called: PCNT-related condition.

Allele frequency attached by ClinVar (database versions not stated): gnomAD exomes 0.00001; ExAC 0.00002; TOPMed 0.00002; gnomAD 0.00003.
gnomAD v4.1: 20 of 1,613,448 alleles (0.0012%); highest among the groups gnomAD compares: East Asian, 0.011%; no homozygotes.

Submissions (2):

PreventionGenetics, part of Exact Sciences
Classification: Uncertain significance for PCNT-related condition. Last evaluated: 2025-05-21. Review status: criteria provided, single submitter. Criteria: ACMG Guidelines, 2015. Collection method: clinical testing. Allele origin: germline.
Comment: The PCNT c.8906G>A variant is predicted to result in the amino acid substitution p.Arg2969Gln. To our knowledge, this variant has not been reported in the literature. This variant is reported in 0.030% of alleles in individuals of East Asian descent in gnomAD. At this time, the clinical significance of this variant is uncertain due to the absence of conclusive functional and genetic evidence.

ARUP Laboratories, Molecular Genetics and Genomics, ARUP Laboratories
Classification: Likely benign for Microcephalic osteodysplastic primordial dwarfism type II. Last evaluated: 2023-10-20. Review status: criteria provided, single submitter. Criteria: ARUP Molecular Germline Variant Investigation Process 2024. Collection method: clinical testing. Allele origin: germline.

NM_006031.6(PCNT):c.8906G>A (p.Arg2969Gln)

Gene: PCNT (pericentrin; plus strand). Cytogenetic location: 21q22.3.
Variant type: single nucleotide variant.
Coding change: c.8906G>A on transcript NM_006031.6 (MANE Select); coding-DNA position 8906, G replaced by A.
Protein change: p.Arg2969Gln; replaces arginine 2969 with glutamine.
Molecular consequence: missense variant.
Genome position (GRCh38, 1-based): chr21:46,436,058, G>A. VCF-style: chr21-46436058-G-A. GRCh37 (hg19) VCF-style: chr21-47855971-G-A.
Other names: c.8315G>A, p.Arg2772Gln (NM_001315529.2); short protein forms R2772Q, R2969Q.
Identifiers: ClinVar variation 2632116 (VCV002632116.3), dbSNP rs767172013, ClinGen allele CA10081118.